The following is an entry in ClinVar:

ClinVar aggregate classification (germline): Uncertain significance (1 of 4 stars; one submission).

Conditions:
Inborn genetic diseases. Identifiers: MedGen C0950123, MeSH D030342.

Submission:

Ambry Genetics
Classification: Uncertain significance for Inborn genetic diseases. Last evaluated: 2025-06-14. Review status: criteria provided, single submitter. Criteria: Ambry Variant Classification Scheme 2023. Collection method: clinical testing. Allele origin: germline.
Comment: The p.R876M variant (also known as c.2627G>T), located in coding exon 13 of the ASXL1 gene, results from a G to T substitution at nucleotide position 2627. The arginine at codon 876 is replaced by methionine, an amino acid with similar properties. This amino acid position is conserved. In addition, this alteration is predicted to be tolerated by in silico analysis. Based on the available evidence, the clinical significance of this variant remains unclear.

NM_015338.6(ASXL1):c.2627G>T (p.Arg876Met)

Gene: ASXL1 (ASXL transcriptional regulator 1; plus strand). Cytogenetic location: 20q11.21.
Variant type: single nucleotide variant.
Coding change: c.2627G>T on transcript NM_015338.6 (MANE Select); coding-DNA position 2627, G replaced by T.
Protein change: p.Arg876Met; replaces arginine 876 with methionine.
Molecular consequence: missense variant.
Genome position (GRCh38, 1-based): chr20:32,435,339, G>T. VCF-style: chr20-32435339-G-T. GRCh37 (hg19) VCF-style: chr20-31023142-G-T.
Other names: c.2444G>T, p.Arg815Met (NM_001363734.1); short protein forms R815M, R876M.
Identifiers: ClinVar variation 3957927 (VCV003957927.1).